The following is an entry in ClinVar:

NM_000049.4(ASPA):c.456C>G (p.Cys152Trp)

Genes: ASPA (aspartoacylase; plus strand), SPATA22 (spermatogenesis associated 22; minus strand). Cytogenetic location: 17p13.2.
Variant type: single nucleotide variant.
Coding change: c.456C>G on transcript NM_000049.4 (MANE Select); coding-DNA position 456, C replaced by G.
Protein change: p.Cys152Trp; replaces cysteine 152 with tryptophan.
Molecular consequence: missense variant. On other transcripts: intron variant (2).
Genome position (GRCh38, 1-based): chr17:3,483,522, C>G. VCF-style: chr17-3483522-C-G. GRCh37 (hg19) VCF-style: chr17-3386816-C-G.
Other names: c.456C>G, p.Cys152Trp (NM_001128085.1); c.-73-14124G>C (NM_001321336.2, NM_001321337.2); short protein forms C152W.
Identifiers: ClinVar variation 4818443 (VCV004818443.2).

ClinVar aggregate classification (germline): Likely pathogenic. Review status: criteria provided, multiple submitters, no conflicts (2 of 4 stars). 2 submissions from 2 submitters: Likely pathogenic (2). Last evaluated 2024-09-27.

Conditions:
Spongy degeneration of central nervous system. Also called: ACY2 DEFICIENCY; AMINOACYLASE 2 DEFICIENCY; ASP DEFICIENCY; ASPA DEFICIENCY; ASPARTOACYLASE DEFICIENCY; CANAVAN-VAN BOGAERT-BERTRAND DISEASE. Identifiers: Orphanet 141, MedGen C0206307, MONDO:0010079, OMIM 271900.
ASPA-related disorder. Also called: ASPA-related condition.

Submissions (2):

Natera, Inc.
Classification: Likely pathogenic for Canavan Disease. Last evaluated: 2024-09-27. Review status: criteria provided, single submitter. Criteria: Natera Variant Classification Schema (03/2026). Collection method: clinical testing. Allele origin: germline.
Comment: The c.456C>G variant in ASPA is a missense variant predicted to cause substitution of cysteine to tryptophan at amino acid 152. This variant is rare in the general population with a frequency below the threshold expected for the associated phenotype(s). This variant has been observed in one or more individuals affected with the associated recessive disease, as either homozygous or compound heterozygous with a second variant (PMID: 12638939). Functional studies show that this variant may disrupt protein function (PMID: 12638939). A different variant at the same position has been determined to be Pathogenic or Likely Pathogenic. Computational prediction algorithms indicate this variant is likely to affect gene or protein function. Given the available evidence, this variant is classified as Likely Pathogenic.

Blueprint Genetics
Classification: Likely pathogenic for ASPA-related disorders. Last evaluated: 2019-12-12. Review status: criteria provided, single submitter. Criteria: ACMG Guidelines, 2015. Collection method: clinical testing. Allele origin: germline. Affected: yes. Observed: 1 variant allele.

Literature cited by the submitters: PubMed 12638939 (cited by Natera, Inc.).